The following is an entry in ClinVar:

ClinVar aggregate classification (germline): Uncertain significance. Review status: criteria provided, multiple submitters, no conflicts (2 of 4 stars). 2 submissions from 2 submitters: Uncertain significance (2). Last evaluated 2023-10-19.

Conditions:
Hereditary cancer-predisposing syndrome. Also called: Hereditary Cancer Syndrome; Neoplastic Syndromes, Hereditary; Tumor predisposition; Hereditary neoplastic syndrome. Identifiers: Orphanet 140162, MedGen C0027672, MeSH D009386, MONDO:0015356.
Familial cancer of breast. Also called: BREAST CANCER, FAMILIAL; Hereditary breast cancer; hereditary breast carcinoma. Identifiers: Orphanet 227535, MedGen C0346153, MONDO:0016419, OMIM 114480. Disease mechanism: loss of function.

Submissions (2):

Ambry Genetics
Classification: Uncertain significance for Hereditary cancer-predisposing syndrome. Last evaluated: 2023-10-19. Review status: criteria provided, single submitter. Criteria: Ambry Variant Classification Scheme 2023. Collection method: clinical testing. Allele origin: germline.
Comment: The p.N110T variant (also known as c.329A>C), located in coding exon 2 of the CHEK2 gene, results from an A to C substitution at nucleotide position 329. The asparagine at codon 110 is replaced by threonine, an amino acid with similar properties. This amino acid position is not well conserved in available vertebrate species. In addition, the in silico prediction for this alteration is inconclusive. Since supporting evidence is limited at this time, the clinical significance of this alteration remains unclear.

Labcorp Genetics (formerly Invitae), Labcorp
Classification: Uncertain significance for Familial cancer of breast. Last evaluated: 2023-02-01. Review status: criteria provided, single submitter. Criteria: Invitae Variant Classification Sherloc (09022015). Collection method: clinical testing. Allele origin: germline.
Comment: This variant is not present in population databases (gnomAD no frequency). This variant has not been reported in the literature in individuals affected with CHEK2-related conditions. ClinVar contains an entry for this variant (Variation ID: 479586). Algorithms developed to predict the effect of missense changes on protein structure and function (SIFT, PolyPhen-2, Align-GVGD) all suggest that this variant is likely to be tolerated. In summary, the available evidence is currently insufficient to determine the role of this variant in disease. Therefore, it has been classified as a Variant of Uncertain Significance. This sequence change replaces asparagine, which is neutral and polar, with threonine, which is neutral and polar, at codon 110 of the CHEK2 protein (p.Asn110Thr).

NM_007194.4(CHEK2):c.329A>C (p.Asn110Thr)

Gene: CHEK2 (checkpoint kinase 2; minus strand). Cytogenetic location: 22q12.1.
Variant type: single nucleotide variant.
Coding change: c.329A>C on transcript NM_007194.4 (MANE Select); coding-DNA position 329, A replaced by C.
Protein change: p.Asn110Thr; replaces asparagine 110 with threonine.
Molecular consequence: missense variant.
Genome position (GRCh38, 1-based): chr22:28,725,358, T>G on the plus strand (A>C on the coding strand, the complement: CHEK2 is on the minus strand). VCF-style: chr22-28725358-T-G. GRCh37 (hg19) VCF-style: chr22-29121346-T-G.
Other names: c.458A>C, p.Asn153Thr (NM_001005735.3); c.-449A>C (NM_001257387.3); c.329A>C, p.Asn110Thr (NM_001349956.3, NM_145862.3); short protein forms N110T, N153T.
Identifiers: ClinVar variation 479586 (VCV000479586.15), dbSNP rs1060502700, ClinGen allele CA411108270.